The following is an entry in ClinVar:

ClinVar aggregate classification (germline): Uncertain significance (1 of 4 stars; one submission).

Conditions:
Dyskeratosis congenita, autosomal dominant 2. Identifiers: MedGen C3151443, MONDO:0013521, OMIM 613989.
Idiopathic Pulmonary Fibrosis. Also called: Idiopathic fibrosing alveolitis, chronic form; idiopathic fibrosing alveolitis. Identifiers: Orphanet 2032, MedGen C1800706, MeSH D054990, MONDO:0800504.

Allele frequency attached by ClinVar (database versions not stated): gnomAD exomes below 0.00001.
gnomAD v4.1: 1 of 1,613,180 alleles (0.000062%); highest among the groups gnomAD compares: Non-Finnish European, 0.000085%; no homozygotes.

Submission:

Labcorp Genetics (formerly Invitae), Labcorp
Classification: Uncertain significance for Dyskeratosis congenita, autosomal dominant 2; Idiopathic Pulmonary Fibrosis. Last evaluated: 2024-06-26. Review status: criteria provided, single submitter. Criteria: Invitae Variant Classification Sherloc (09022015). Collection method: clinical testing. Allele origin: germline.
Comment: This sequence change replaces alanine, which is neutral and non-polar, with valine, which is neutral and non-polar, at codon 518 of the TERT protein (p.Ala518Val). This variant is present in population databases (no rsID available, gnomAD 0.0009%). This variant has not been reported in the literature in individuals affected with TERT-related conditions. ClinVar contains an entry for this variant (Variation ID: 851452). Algorithms developed to predict the effect of missense changes on protein structure and function output the following: SIFT: "Not Available"; PolyPhen-2: "Benign"; Align-GVGD: "Not Available". The valine amino acid residue is found in multiple mammalian species, which suggests that this missense change does not adversely affect protein function. In summary, the available evidence is currently insufficient to determine the role of this variant in disease. Therefore, it has been classified as a Variant of Uncertain Significance.

NM_198253.3(TERT):c.1553C>T (p.Ala518Val)

Gene: TERT (telomerase reverse transcriptase; minus strand). Cytogenetic location: 5p15.33.
Variant type: single nucleotide variant.
Coding change: c.1553C>T on transcript NM_198253.3 (MANE Select); coding-DNA position 1553, C replaced by T.
Protein change: p.Ala518Val; replaces alanine 518 with valine.
Molecular consequence: missense variant. On other transcripts: non-coding transcript variant (2).
Genome position (GRCh38, 1-based): chr5:1,293,333, G>A on the plus strand (C>T on the coding strand, the complement: TERT is on the minus strand). VCF-style: chr5-1293333-G-A. GRCh37 (hg19) VCF-style: chr5-1293448-G-A.
Other names: c.1553C>T, p.Ala518Val (NM_001193376.3); short protein forms A518V.
Identifiers: ClinVar variation 851452 (VCV000851452.10), dbSNP rs1474097655, ClinGen allele CA359085062.